The following is an entry in ClinVar:

NM_001080517.3(SETD5):c.4241A>G (p.Tyr1414Cys)

Gene: SETD5 (SET domain containing 5; plus strand). Cytogenetic location: 3p25.3.
Variant type: single nucleotide variant.
Coding change: c.4241A>G on transcript NM_001080517.3 (MANE Select); coding-DNA position 4241, A replaced by G.
Protein change: p.Tyr1414Cys; replaces tyrosine 1414 with cysteine.
Molecular consequence: missense variant.
Genome position (GRCh38, 1-based): chr3:9,476,003, A>G. VCF-style: chr3-9476003-A-G. GRCh37 (hg19) VCF-style: chr3-9517687-A-G.
Other names: c.3947A>G, p.Tyr1316Cys (NM_001292043.2, NM_001349451.2); short protein forms Y1316C, Y1414C.
Identifiers: ClinVar variation 1311527 (VCV001311527.3), dbSNP rs1559500980, ClinGen allele CA351695159.

ClinVar aggregate classification (germline): Conflicting classifications of pathogenicity. Review status: criteria provided, conflicting classifications (1 of 4 stars). 2 submissions from 2 submitters: Uncertain significance (1); Likely benign (1). Last evaluated 2025-08-02.

Conditions:
Inborn genetic diseases. Identifiers: MedGen C0950123, MeSH D030342.

Allele frequency attached by ClinVar (database versions not stated): gnomAD 0.00001; gnomAD exomes 0.00001.
gnomAD v4.1: 9 of 1,613,916 alleles (0.00056%); highest among the groups gnomAD compares: East Asian, 0.013%; no homozygotes.

Submissions (2):

Ambry Genetics
Classification: Likely benign for Inborn genetic diseases. Last evaluated: 2025-08-02. Review status: criteria provided, single submitter. Criteria: Ambry Variant Classification Scheme 2023. Collection method: clinical testing. Allele origin: germline.

GeneDx
Classification: Uncertain significance. Last evaluated: 2020-01-03. Review status: criteria provided, single submitter. Criteria: GeneDx Variant Classification Process June 2021. Collection method: clinical testing. Allele origin: germline. Affected: yes.
Comment: Not observed at a significant frequency in large population cohorts (Lek et al., 2016); In silico analysis, which includes protein predictors and evolutionary conservation, supports that this variant does not alter protein structure/function; Has not been previously published as pathogenic or benign to our knowledge